The following is an entry in ClinVar:

NM_021098.3(CACNA1H):c.5080A>G (p.Met1694Val)

Gene: CACNA1H (calcium voltage-gated channel subunit alpha1 H; plus strand). Cytogenetic location: 16p13.3.
Variant type: single nucleotide variant.
Coding change: c.5080A>G on transcript NM_021098.3 (MANE Select); coding-DNA position 5080, A replaced by G.
Protein change: p.Met1694Val; replaces methionine 1694 with valine.
Molecular consequence: missense variant.
Genome position (GRCh38, 1-based): chr16:1,215,282, A>G. VCF-style: chr16-1215282-A-G. GRCh37 (hg19) VCF-style: chr16-1265282-A-G.
Other names: c.5062A>G, p.Met1688Val (NM_001005407.2); short protein forms M1688V, M1694V.
Identifiers: ClinVar variation 1319028 (VCV001319028.3), dbSNP rs2141376108, ClinGen allele CA394146382.
Genomic context (GRCh38, chr16:1,215,282, plus strand): 5'-CTGAGCCTCCGGCCACACAGGTGGAACCAGCTGGACCTGGCCATCGTGCTGCTGTCACTC[A>G]TGGGCATCACGCTGGAGGAGATAGAGATGAGCGCCGCGCTGCCCATCAACCCCACCATCA-3'
Protein context (NP_066921.2, residues 1684-1704): LDLAIVLLSL[Met1694Val]GITLEEIEMS

ClinVar aggregate classification (germline): Uncertain significance. Review status: criteria provided, multiple submitters, no conflicts (2 of 4 stars). 2 submissions from 2 submitters: Uncertain significance (2). Last evaluated 2022-05-24.

Conditions:
Epilepsy, childhood absence, susceptibility to, 6. Identifiers: Orphanet 64280, MedGen C2749872, MONDO:0012763, OMIM 611942.
Hyperaldosteronism, familial, type IV (HALD4). Also called: FH IV; ALDOSTERONISM, PRIMARY, AND HYPERTENSION. Identifiers: Orphanet 642671, MedGen C4310756, MONDO:0014875, OMIM 617027.

Allele frequency attached by ClinVar (database versions not stated): gnomAD exomes 0.00001.

Submissions (2):

Fulgent Genetics
Classification: Uncertain significance for Epilepsy, childhood absence, susceptibility to, 6; Hyperaldosteronism, familial, type IV. Last evaluated: 2022-05-24. Review status: criteria provided, single submitter. Criteria: ACMG Guidelines, 2015. Collection method: clinical testing. Allele origin: unknown.

GeneDx
Classification: Uncertain significance. Last evaluated: 2019-06-13. Review status: criteria provided, single submitter. Criteria: GeneDx Variant Classification Process June 2021. Collection method: clinical testing. Allele origin: germline. Affected: yes.
Comment: Not observed in large population cohorts (Lek et al., 2016); In silico analysis, which includes protein predictors and evolutionary conservation, supports a deleterious effect; Has not been previously published as pathogenic or benign to our knowledge